The following is an entry in ClinVar:

NM_013266.4(CTNNA3):c.864A>C (p.Pro288=)

Gene: CTNNA3 (catenin alpha 3; minus strand). Cytogenetic location: 10q21.3.
Variant type: single nucleotide variant.
Coding change: c.864A>C on transcript NM_013266.4 (MANE Select); coding-DNA position 864, A replaced by C.
Protein change: p.Pro288=; no amino-acid change (proline 288 retained).
Molecular consequence: synonymous variant.
Genome position (GRCh38, 1-based): chr10:67,180,500, T>G on the plus strand (A>C on the coding strand, the complement: CTNNA3 is on the minus strand). VCF-style: chr10-67180500-T-G. GRCh37 (hg19) VCF-style: chr10-68940258-T-G.
Other names: c.864A>C, p.Pro288= (NM_001127384.3); c.900A>C, p.Pro300= (NM_001291133.2).
Identifiers: ClinVar variation 4768490 (VCV004768490.1).
Genomic context (GRCh38, chr10:67,180,500, plus strand): 5'-GATAATGGCTTCAAGGCGTTTCTCTAGTGATGGTCGTATTTCCTCCTCAGTTACTGTGAG[T>G]GGATTCAGGACAATTAAATTCTAAGAGAAGAACACATTTGTATGGTTAGAGCTCCATGGC-3'
Protein context (NP_037398.2, residues 278-298): DELENLIVLN[Pro288=]LTVTEEEIRP

ClinVar aggregate classification (germline): Uncertain significance (1 of 4 stars; one submission).

Conditions:
Arrhythmogenic right ventricular dysplasia 13. Also called: ARRHYTHMOGENIC RIGHT VENTRICULAR CARDIOMYOPATHY 13; Arrhythmogenic right ventricular dysplasia, familial, 13. Identifiers: MedGen C3810138, MONDO:0000908, OMIM 615616.

gnomAD v4.1: 4 of 1,613,308 alleles (0.00025%); highest among the groups gnomAD compares: Non-Finnish European, 0.00034%; no homozygotes.

Submission:

Labcorp Genetics (formerly Invitae), Labcorp
Classification: Uncertain significance for Arrhythmogenic right ventricular dysplasia 13. Last evaluated: 2025-07-09. Review status: criteria provided, single submitter. Criteria: Invitae Variant Classification Sherloc (09022015). Collection method: clinical testing. Allele origin: germline.
Comment: This sequence change affects codon 288 of the CTNNA3 mRNA. It is a 'silent' change, meaning that it does not change the encoded amino acid sequence of the CTNNA3 protein. This variant is present in population databases (rs765196113, gnomAD 0.002%). This variant has not been reported in the literature in individuals affected with CTNNA3-related conditions. Algorithms developed to predict the effect of sequence changes on RNA splicing suggest that this variant may create or strengthen a splice site. In summary, the available evidence is currently insufficient to determine the role of this variant in disease. Therefore, it has been classified as a Variant of Uncertain Significance.